The following is an entry in ClinVar:

ClinVar aggregate classification (germline): Benign. Review status: criteria provided, multiple submitters, no conflicts (2 of 4 stars). 9 submissions from 9 submitters: Benign (8). 1 of the submissions does not count toward it. Last evaluated 2026-02-04.

Conditions:
Mucopolysaccharidosis, MPS-IV-A (MPS4A). Also called: MPS IVA; Mucopolysaccharidosis Type IVA; Morquio syndrome A, mild; MORQUIO A DISEASE; mucopolysaccharidosis type 4A; Mucopolysaccharidosis type IV A. Identifiers: Orphanet 309297, Orphanet 582, MedGen C0086651, MONDO:0009659, OMIM 253000.

Allele frequency attached by ClinVar (database versions not stated): 1000 Genomes Project 0.04253; TOPMed 0.04707; 1000 Genomes Project 30x 0.04169; gnomAD 0.04350; ESP Exome Variant Server 0.05263.
gnomAD v4.1: 89,181 of 1,614,094 alleles (5.5%); highest among the groups gnomAD compares: Middle Eastern, 11%; 2,937 homozygotes.

Submissions (9):

Labcorp Genetics (formerly Invitae), Labcorp
Classification: Benign for Mucopolysaccharidosis, MPS-IV-A. Last evaluated: 2026-02-04. Review status: criteria provided, single submitter. Criteria: Invitae Variant Classification Sherloc (09022015). Collection method: clinical testing. Allele origin: germline.

ARUP Laboratories, Molecular Genetics and Genomics, ARUP Laboratories
Classification: Benign for Mucopolysaccharidosis, MPS-IV-A. Last evaluated: 2023-11-29. Review status: criteria provided, single submitter. Criteria: ARUP Molecular Germline Variant Investigation Process 2024. Collection method: clinical testing. Allele origin: germline.

Genome-Nilou Lab
Classification: Benign for Mucopolysaccharidosis, MPS-IV-A. Last evaluated: 2021-11-07. Review status: criteria provided, single submitter. Criteria: ACMG Guidelines, 2015. Collection method: clinical testing. Allele origin: germline. Affected: no.

Illumina Laboratory Services, Illumina
Classification: Benign for Mucopolysaccharidosis, MPS-IV-A. Last evaluated: 2018-01-12. Review status: criteria provided, single submitter. Criteria: ICSL Variant Classification Criteria 13 December 2019. Collection method: clinical testing. Allele origin: germline.
Comment: This variant was observed in the ICSL laboratory as part of a predisposition screen in an ostensibly healthy population. It had not been previously curated by ICSL or reported in the Human Gene Mutation Database (HGMD: prior to June 1st, 2018), and was therefore a candidate for classification through an automated scoring system. Utilizing variant allele frequency, disease prevalence and penetrance estimates, and inheritance mode, an automated score was calculated to assess if this variant is too frequent to cause the disease. Based on the score and internal cut-off values, a variant classified as benign is not then subjected to further curation. The score for this variant resulted in a classification of benign for this disease.

GeneDx
Classification: Benign. Last evaluated: 2017-06-16. Review status: criteria provided, single submitter. Criteria: GeneDx Variant Classification (06012015). Collection method: clinical testing. Allele origin: germline. Affected: yes.
Comment: This variant is considered likely benign or benign based on one or more of the following criteria: it is a conservative change, it occurs at a poorly conserved position in the protein, it is predicted to be benign by multiple in silico algorithms, and/or has population frequency not consistent with disease.

Eurofins Ntd Llc (ga)
Classification: Benign. Last evaluated: 2017-01-26. Review status: criteria provided, single submitter. Criteria: EGL Classification Definitions 2015. Collection method: clinical testing. Allele origin: germline. Observed: 13 variant alleles, 9 heterozygotes, 4 homozygotes.

Breakthrough Genomics
Classification: Benign. Review status: criteria provided, single submitter. Criteria: ACMG Guidelines, 2015. Collection method: not provided. Allele origin: germline. Inheritance: Autosomal recessive inheritance. Affected: yes.

PreventionGenetics, part of Exact Sciences
Classification: Benign. Review status: criteria provided, single submitter. Criteria: ACMG Guidelines, 2015. Collection method: clinical testing. Allele origin: germline.

Mayo Clinic Laboratories, Mayo Clinic
Classification: Benign. Last evaluated: 2017-04-24. Review status: no assertion criteria provided. Collection method: clinical testing. Allele origin: unknown. Not counted in ClinVar's aggregate classification.

NM_000512.5(GALNS):c.692C>G (p.Ala231Gly)

Gene: GALNS (galactosamine (N-acetyl)-6-sulfatase; minus strand). Cytogenetic location: 16q24.3.
Variant type: single nucleotide variant.
Coding change: c.692C>G on transcript NM_000512.5 (MANE Select); coding-DNA position 692, C replaced by G.
Protein change: p.Ala231Gly; replaces alanine 231 with glycine.
Molecular consequence: missense variant.
Genome position (GRCh38, 1-based): chr16:88,835,791, G>C on the plus strand (C>G on the coding strand, the complement: GALNS is on the minus strand). VCF-style: chr16-88835791-G-C. GRCh37 (hg19) VCF-style: chr16-88902199-G-C.
Other names: c.137C>G, p.Ala46Gly (NM_001323543.2); c.710C>G, p.Ala237Gly (NM_001323544.2); short protein forms A231G, A237G, A46G.
Identifiers: ClinVar variation 93183 (VCV000093183.31), dbSNP rs34745339, ClinGen allele CA146724.